The following is an entry in ClinVar:

ClinVar aggregate classification (germline): Uncertain significance (1 of 4 stars; one submission).

Submission:

Labcorp Genetics (formerly Invitae), Labcorp
Classification: Uncertain significance. Last evaluated: 2025-07-30. Review status: criteria provided, single submitter. Criteria: Invitae Variant Classification Sherloc (09022015). Collection method: clinical testing. Allele origin: germline.
Comment: This sequence change replaces methionine, which is neutral and non-polar, with isoleucine, which is neutral and non-polar, at codon 1015 of the A2ML1 protein (p.Met1015Ile). This variant is present in population databases (rs781204321, gnomAD 0.02%). This variant has not been reported in the literature in individuals affected with A2ML1-related conditions. An algorithm developed to predict the effect of missense changes on protein structure and function outputs the following: PolyPhen-2: "Benign". The isoleucine amino acid residue is found in multiple mammalian species, which suggests that this missense change does not adversely affect protein function. In summary, the available evidence is currently insufficient to determine the role of this variant in disease. Therefore, it has been classified as a Variant of Uncertain Significance.

NM_144670.6(A2ML1):c.3045G>A (p.Met1015Ile)

Gene: A2ML1 (alpha-2-macroglobulin like 1; plus strand). Cytogenetic location: 12p13.31.
Variant type: single nucleotide variant.
Coding change: c.3045G>A on transcript NM_144670.6 (MANE Select); coding-DNA position 3045, G replaced by A.
Protein change: p.Met1015Ile; replaces methionine 1015 with isoleucine.
Molecular consequence: missense variant.
Genome position (GRCh38, 1-based): chr12:8,857,526, G>A. VCF-style: chr12-8857526-G-A. GRCh37 (hg19) VCF-style: chr12-9010122-G-A.
Other names: c.1572G>A, p.Met524Ile (NM_001282424.3); short protein forms M1015I, M524I.
Identifiers: ClinVar variation 4746747 (VCV004746747.1).